The following is an entry in ClinVar:

NM_001853.4(COL9A3):c.409C>T (p.Leu137Phe)

Gene: COL9A3 (collagen type IX alpha 3 chain; plus strand). Cytogenetic location: 20q13.33.
Variant type: single nucleotide variant.
Coding change: c.409C>T on transcript NM_001853.4 (MANE Select); coding-DNA position 409, C replaced by T.
Protein change: p.Leu137Phe; replaces leucine 137 with phenylalanine.
Molecular consequence: missense variant.
Genome position (GRCh38, 1-based): chr20:62,821,796, C>T. VCF-style: chr20-62821796-C-T. GRCh37 (hg19) VCF-style: chr20-61453148-C-T.
Other names: short protein forms L137F.
Identifiers: ClinVar variation 1442991 (VCV001442991.6), dbSNP rs2147200694, ClinGen allele CA409588580.

ClinVar aggregate classification (germline): Uncertain significance (1 of 4 stars; one submission).

Submission:

Labcorp Genetics (formerly Invitae), Labcorp
Classification: Uncertain significance. Last evaluated: 2025-09-03. Review status: criteria provided, single submitter. Criteria: Invitae Variant Classification Sherloc (09022015). Collection method: clinical testing. Allele origin: germline.
Comment: This sequence change replaces leucine, which is neutral and non-polar, with phenylalanine, which is neutral and non-polar, at codon 137 of the COL9A3 protein (p.Leu137Phe). This variant is not present in population databases (gnomAD no frequency). This variant has not been reported in the literature in individuals affected with COL9A3-related conditions. ClinVar contains an entry for this variant (Variation ID: 1442991). Invitae Evidence Modeling of protein sequence and biophysical properties (such as structural, functional, and spatial information, amino acid conservation, physicochemical variation, residue mobility, and thermodynamic stability) indicates that this missense variant is not expected to disrupt COL9A3 protein function with a negative predictive value of 95%. In summary, the available evidence is currently insufficient to determine the role of this variant in disease. Therefore, it has been classified as a Variant of Uncertain Significance.